The following is an entry in ClinVar:

ClinVar aggregate classification (germline): Uncertain significance (1 of 4 stars; one submission).

Conditions:
Charcot-Marie-Tooth disease type 4B1. Also called: CHARCOT-MARIE-TOOTH DISEASE, DEMYELINATING, TYPE 4B1; CHARCOT-MARIE-TOOTH DISEASE, AUTOSOMAL RECESSIVE, WITH FOCALLY FOLDED MYELIN SHEATHS, AUTOSOMAL RECESSIVE, TYPE 4B1; CHARCOT-MARIE-TOOTH DISEASE, TYPE 4B; Charcot-Marie-Tooth Neuropathy Type 4B1. Identifiers: Orphanet 99955, MedGen C1832399, MONDO:0011066, OMIM 601382.

Submission:

Kariminejad - Najmabadi Pathology & Genetics Center
Classification: Uncertain significance for Charcot-Marie-Tooth disease type 4B1. Last evaluated: 2021-11-14. Review status: criteria provided, single submitter. Criteria: ACMG Guidelines, 2015. Collection method: clinical testing. Allele origin: germline. Inheritance: Autosomal recessive inheritance. Affected: yes.
Comment: PM2 PVS1 moderate

NM_016156.6(MTMR2):c.1776_1786dup (p.Arg596fs)

Gene: MTMR2 (myotubularin related protein 2; minus strand). Cytogenetic location: 11q21.
Variant type: Duplication.
Coding change: c.1776_1786dup on transcript NM_016156.6 (MANE Select); coding-DNA positions 1776 to 1786, 11 bases duplicated (TATTCACAACA).
Protein change: p.Arg596fs; shifts the reading frame from arginine 596.
Molecular consequence: frameshift variant.
Genome position (GRCh38, 1-based): chr11:95,835,436-95,835,446, TGTTGTGAATA duplicated on the plus strand (TATTCACAACA on the coding strand, the reverse complement: MTMR2 is on the minus strand). VCF-style (leftmost placement, unchanged base first): chr11-95835435-C-CTGTTGTGAATA. GRCh37 (hg19) VCF-style: chr11-95568599-C-CTGTTGTGAATA.
Other names: c.1560_1570dup, p.Arg524fs (NM_001243571.2, NM_201278.3, NM_201281.3); short protein forms R524fs, R596fs.
Identifiers: ClinVar variation 3896919 (VCV003896919.1).